The following is an entry in ClinVar:

ClinVar aggregate classification (germline): Uncertain significance (1 of 4 stars; one submission).

Allele frequency attached by ClinVar (database versions not stated): gnomAD exomes 0.00001; TOPMed 0.00001.
gnomAD v4.1: 11 of 1,613,730 alleles (0.00068%); highest among the groups gnomAD compares: Admixed American, 0.0017%; no homozygotes.

Submission:

Labcorp Genetics (formerly Invitae), Labcorp
Classification: Uncertain significance. Last evaluated: 2025-11-11. Review status: criteria provided, single submitter. Criteria: Invitae Variant Classification Sherloc (09022015). Collection method: clinical testing. Allele origin: germline.
Comment: This sequence change falls in intron 3 of the ITGAM gene. It does not directly change the encoded amino acid sequence of the ITGAM protein. This variant is not present in population databases (gnomAD no frequency). This variant has not been reported in the literature in individuals affected with ITGAM-related conditions. ClinVar contains an entry for this variant (Variation ID: 3007122). Algorithms developed to predict the effect of sequence changes on RNA splicing suggest that this variant may disrupt the consensus splice site. In summary, the available evidence is currently insufficient to determine the role of this variant in disease. Therefore, it has been classified as a Variant of Uncertain Significance.

NM_000632.4(ITGAM):c.239-6C>T

Genes: ITGAM (integrin subunit alpha M; plus strand), LOC126862331 (P300/CBP strongly-dependent group 1 enhancer GRCh37_chr16:31276375-31277574; plus strand). Cytogenetic location: 16p11.2.
Variant type: single nucleotide variant.
Coding change: c.239-6C>T on transcript NM_000632.4 (MANE Select); 6 bases into the intron before coding-DNA position 239, C replaced by T.
Molecular consequence: intron variant.
Genome position (GRCh38, 1-based): chr16:31,265,805, C>T. VCF-style: chr16-31265805-C-T. GRCh37 (hg19) VCF-style: chr16-31277126-C-T.
Other names: c.239-6C>T (NM_001145808.2).
Identifiers: ClinVar variation 3007122 (VCV003007122.3), dbSNP rs960544394, ClinGen allele CA280602794.